The following is an entry in ClinVar:

ClinVar aggregate classification (germline): Uncertain significance (1 of 4 stars; one submission).

Conditions:
Catecholaminergic polymorphic ventricular tachycardia 1. Also called: VENTRICULAR TACHYCARDIA, STRESS-INDUCED POLYMORPHIC 1; VENTRICULAR TACHYCARDIA, CATECHOLAMINERGIC POLYMORPHIC, 1, WITH OR WITHOUT ATRIAL DYSFUNCTION AND/OR DILATED CARDIOMYOPATHY; RYR2-Related Catecholaminergic Polymorphic Ventricular Tachycardia. Identifiers: Orphanet 3286, MedGen C1631597, MONDO:0011484, OMIM 604772.

Allele frequency attached by ClinVar (database versions not stated): gnomAD 0.00001; TOPMed 0.00001.
gnomAD v4.1: 6 of 1,594,252 alleles (0.00038%); highest among the groups gnomAD compares: Admixed American, 0.005%; no homozygotes.

Submission:

Labcorp Genetics (formerly Invitae), Labcorp
Classification: Uncertain significance for Catecholaminergic polymorphic ventricular tachycardia 1. Last evaluated: 2025-10-23. Review status: criteria provided, single submitter. Criteria: Invitae Variant Classification Sherloc (09022015). Collection method: clinical testing. Allele origin: germline.
Comment: This sequence change replaces asparagine, which is neutral and polar, with aspartic acid, which is acidic and polar, at codon 384 of the CASQ2 protein (p.Asn384Asp). The frequency data for this variant in the population databases is considered unreliable, as metrics indicate poor data quality at this position in the gnomAD database. This variant has not been reported in the literature in individuals affected with CASQ2-related conditions. ClinVar contains an entry for this variant (Variation ID: 463659). An algorithm developed to predict the effect of missense changes on protein structure and function outputs the following: PolyPhen-2: "Not Available". The aspartic acid amino acid residue is found in multiple mammalian species, which suggests that this missense change does not adversely affect protein function. In summary, the available evidence is currently insufficient to determine the role of this variant in disease. Therefore, it has been classified as a Variant of Uncertain Significance.

NM_001232.4(CASQ2):c.1150A>G (p.Asn384Asp)

Gene: CASQ2 (calsequestrin 2; minus strand). Cytogenetic location: 1p13.1.
Variant type: single nucleotide variant.
Coding change: c.1150A>G on transcript NM_001232.4 (MANE Select); coding-DNA position 1150, A replaced by G.
Protein change: p.Asn384Asp; replaces asparagine 384 with aspartic acid.
Molecular consequence: missense variant.
Genome position (GRCh38, 1-based): chr1:115,701,291, T>C on the plus strand (A>G on the coding strand, the complement: CASQ2 is on the minus strand). VCF-style: chr1-115701291-T-C. GRCh37 (hg19) VCF-style: chr1-116243912-T-C.
Other names: short protein forms N384D.
Identifiers: ClinVar variation 463659 (VCV000463659.10), dbSNP rs772619751, ClinGen allele CA341766249.